The following is an entry in ClinVar:

NM_000329.3(RPE65):c.280A>T (p.Thr94Ser)

Gene: RPE65 (retinoid isomerohydrolase RPE65; minus strand). Cytogenetic location: 1p31.3.
Variant type: single nucleotide variant.
Coding change: c.280A>T on transcript NM_000329.3 (MANE Select); coding-DNA position 280, A replaced by T.
Protein change: p.Thr94Ser; replaces threonine 94 with serine.
Molecular consequence: missense variant. On other transcripts: intron variant (1).
Genome position (GRCh38, 1-based): chr1:68,444,849, T>A on the plus strand (A>T on the coding strand, the complement: RPE65 is on the minus strand). VCF-style: chr1-68444849-T-A. GRCh37 (hg19) VCF-style: chr1-68910532-T-A.
Other names: c.4A>T, p.Thr2Ser (NM_001406856.1, NM_001406857.1); c.280A>T, p.Thr94Ser (NM_001406859.1, NM_001406860.1); c.246-177A>T (NM_001406853.1); short protein forms T2S, T94S.
Identifiers: ClinVar variation 2945853 (VCV002945853.3), dbSNP rs1645930710, ClinGen allele CA340748404.

ClinVar aggregate classification (germline): Uncertain significance (1 of 4 stars; one submission).

Conditions:
Leber congenital amaurosis 2 (LCA2). Also called: Autosomal Recessive RPE65-Related Retinal Degeneration; AMAUROSIS CONGENITA OF LEBER II. Identifiers: Orphanet 65, MedGen C1859844, MONDO:0008765, OMIM 204100. Disease mechanism: loss of function.
Retinitis pigmentosa 20 (RP20). Identifiers: Orphanet 791, MedGen C3151086, MONDO:0013425, OMIM 613794.

Submission:

Labcorp Genetics (formerly Invitae), Labcorp
Classification: Uncertain significance for Leber congenital amaurosis 2; Retinitis pigmentosa 20. Last evaluated: 2023-03-27. Review status: criteria provided, single submitter. Criteria: Invitae Variant Classification Sherloc (09022015). Collection method: clinical testing. Allele origin: germline.
Comment: In summary, the available evidence is currently insufficient to determine the role of this variant in disease. Therefore, it has been classified as a Variant of Uncertain Significance. Advanced modeling of protein sequence and biophysical properties (such as structural, functional, and spatial information, amino acid conservation, physicochemical variation, residue mobility, and thermodynamic stability) performed at Invitae indicates that this missense variant is not expected to disrupt RPE65 protein function. This variant has not been reported in the literature in individuals affected with RPE65-related conditions. This variant is not present in population databases (gnomAD no frequency). This sequence change replaces threonine, which is neutral and polar, with serine, which is neutral and polar, at codon 94 of the RPE65 protein (p.Thr94Ser).